The following is an entry in ClinVar:

NM_000065.5(C6):c.347C>T (p.Pro116Leu)

Gene: C6 (complement C6; minus strand). Cytogenetic location: 5p13.1.
Variant type: single nucleotide variant.
Coding change: c.347C>T on transcript NM_000065.5 (MANE Select); coding-DNA position 347, C replaced by T.
Protein change: p.Pro116Leu; replaces proline 116 with leucine.
Molecular consequence: missense variant.
Genome position (GRCh38, 1-based): chr5:41,199,866, G>A on the plus strand (C>T on the coding strand, the complement: C6 is on the minus strand). VCF-style: chr5-41199866-G-A. GRCh37 (hg19) VCF-style: chr5-41199968-G-A.
Other names: c.347C>T, p.Pro116Leu (NM_001115131.4); short protein forms P116L.
Identifiers: ClinVar variation 2128173 (VCV002128173.4), dbSNP rs2479112386, ClinGen allele CA359604719.

ClinVar aggregate classification (germline): Uncertain significance (1 of 4 stars; one submission).

Submission:

Labcorp Genetics (formerly Invitae), Labcorp
Classification: Uncertain significance. Last evaluated: 2022-04-19. Review status: criteria provided, single submitter. Criteria: Invitae Variant Classification Sherloc (09022015). Collection method: clinical testing. Allele origin: germline.
Comment: In summary, the available evidence is currently insufficient to determine the role of this variant in disease. Therefore, it has been classified as a Variant of Uncertain Significance. Algorithms developed to predict the effect of missense changes on protein structure and function are either unavailable or do not agree on the potential impact of this missense change (SIFT: "Tolerated"; PolyPhen-2: "Possibly Damaging"; Align-GVGD: "Class C0"). This variant has not been reported in the literature in individuals affected with C6-related conditions. This variant is not present in population databases (gnomAD no frequency). This sequence change replaces proline, which is neutral and non-polar, with leucine, which is neutral and non-polar, at codon 116 of the C6 protein (p.Pro116Leu).